The following is an entry in ClinVar:

NM_001868.4(CPA1):c.701G>T (p.Arg234Leu)

Gene: CPA1 (carboxypeptidase A1; plus strand). Cytogenetic location: 7q32.2.
Variant type: single nucleotide variant.
Coding change: c.701G>T on transcript NM_001868.4 (MANE Select); coding-DNA position 701, G replaced by T.
Protein change: p.Arg234Leu; replaces arginine 234 with leucine.
Molecular consequence: missense variant.
Genome position (GRCh38, 1-based): chr7:130,384,540, G>T. VCF-style: chr7-130384540-G-T. GRCh37 (hg19) VCF-style: chr7-130024381-G-T.
Other names: short protein forms R234L.
Identifiers: ClinVar variation 3221847 (VCV003221847.1), dbSNP rs782582120, ClinGen allele CA369282890.

ClinVar aggregate classification (germline): Uncertain significance (1 of 4 stars; one submission).

Conditions:
Hereditary pancreatitis (PCTT). Also called: Hereditary chronic pancreatitis; PRSS1-Related Hereditary Pancreatitis. Identifiers: Orphanet 676, MedGen C0238339, MONDO:0008185, OMIM 167800.

Submission:

Ambry Genetics
Classification: Uncertain significance for Hereditary pancreatitis. Last evaluated: 2023-12-10. Review status: criteria provided, single submitter. Criteria: Ambry Variant Classification Scheme 2023. Collection method: clinical testing. Allele origin: germline.
Comment: The p.R234L variant (also known as c.701G>T), located in coding exon 7 of the CPA1 gene, results from a G to T substitution at nucleotide position 701. The arginine at codon 234 is replaced by leucine, an amino acid with dissimilar properties. This amino acid position is conserved. In addition, this alteration is predicted to be deleterious by in silico analysis. Since supporting evidence is limited at this time, the clinical significance of this alteration remains unclear.